The following is an entry in ClinVar:

ClinVar aggregate classification (germline): Likely benign. Review status: criteria provided, multiple submitters, no conflicts (2 of 4 stars). 2 submissions from 2 submitters: Likely benign (2). Last evaluated 2018-06-14.

Allele frequency attached by ClinVar (database versions not stated): gnomAD exomes 0.00090; 1000 Genomes Project 30x 0.00531; 1000 Genomes Project 0.00599; gnomAD 0.00803 and 0.00857; TOPMed 0.00858.
gnomAD v4.1: 1,701 of 671,434 alleles (0.25%); highest among the groups gnomAD compares: African/African-American, 2.7%; 33 homozygotes.

Submissions (2):

GeneDx
Classification: Likely benign. Last evaluated: 2018-06-14. Review status: criteria provided, single submitter. Criteria: GeneDx Variant Classification (06012015). Collection method: clinical testing. Allele origin: germline. Affected: yes.
Comment: This variant is considered likely benign or benign based on one or more of the following criteria: it is a conservative change, it occurs at a poorly conserved position in the protein, it is predicted to be benign by multiple in silico algorithms, and/or has population frequency not consistent with disease.

Breakthrough Genomics
Classification: Likely benign. Review status: criteria provided, single submitter. Criteria: ACMG Guidelines, 2015. Collection method: not provided. Allele origin: germline. Inheritance: Autosomal dominant inheritance. Affected: yes.

NM_007078.3(LDB3):c.2094+162G>A

Gene: LDB3 (LIM domain binding 3; plus strand). Cytogenetic location: 10q23.2.
Variant type: single nucleotide variant.
Coding change: c.2094+162G>A on transcript NM_007078.3 (MANE Select); 162 bases into the intron after coding-DNA position 2094, G replaced by A.
Molecular consequence: intron variant.
Genome position (GRCh38, 1-based): chr10:86,726,414, G>A. VCF-style: chr10-86726414-G-A. GRCh37 (hg19) VCF-style: chr10-88486171-G-A.
Other names: c.1905+162G>A (NM_001368064.1, NM_001368065.1); c.2109+162G>A (NM_001171610.2); c.1953+162G>A (NM_001368066.1); c.1764+162G>A (NM_001080114.2).
Identifiers: ClinVar variation 675806 (VCV000675806.2), dbSNP rs112207292, ClinGen allele CA211214112.